The following is an entry in ClinVar:

NM_138927.4(SON):c.793A>G (p.Thr265Ala)

Gene: SON (SON DNA and RNA binding protein; plus strand). Cytogenetic location: 21q22.11.
Variant type: single nucleotide variant.
Coding change: c.793A>G on transcript NM_138927.4 (MANE Select); coding-DNA position 793, A replaced by G.
Protein change: p.Thr265Ala; replaces threonine 265 with alanine.
Molecular consequence: missense variant. On other transcripts: non-coding transcript variant (1), intron variant (1).
Genome position (GRCh38, 1-based): chr21:33,550,024, A>G. VCF-style: chr21-33550024-A-G. GRCh37 (hg19) VCF-style: chr21-34922330-A-G.
Other names: c.793A>G, p.Thr265Ala (NM_001291411.2, NM_032195.3); c.244+3645A>G (NM_001291412.3); short protein forms T265A.
Identifiers: ClinVar variation 3769399 (VCV003769399.3).

ClinVar aggregate classification (germline): Uncertain significance (1 of 4 stars; one submission).

Submission:

Women's Health and Genetics/Laboratory Corporation of America, LabCorp
Classification: Uncertain significance. Last evaluated: 2026-04-28. Review status: criteria provided, single submitter. Criteria: LabCorp Variant Classification Summary - May 2015. Collection method: clinical testing. Allele origin: germline.
Comment: Variant summary: SON c.793A>G (p.Thr265Ala) results in a non-conservative amino acid change in the encoded protein sequence. Algorithms developed to predict the effect of missense changes on protein structure and function are either unavailable or do not agree on the potential impact of this missense change. The variant was absent in 251110 control chromosomes. The available data on variant occurrences in the general population are insufficient to allow any conclusion about variant significance. To our knowledge, no occurrence of c.793A>G in individuals affected with SON-related conditions and no experimental evidence demonstrating its impact on protein function have been reported. ClinVar contains an entry for this variant (Variation ID: 3769399). Based on the evidence outlined above, the variant was classified as uncertain significance.